The following is an entry in ClinVar:

NC_000006.11:g.(?_131894423)_(133849943_?)del

Genes: ARG1 (arginase 1; plus strand), CCN2 (cellular communication network factor 2; minus strand), CTAGE9 (CTAGE family member 9; minus strand), ENPP1 (ectonucleotide pyrophosphatase/phosphodiesterase 1; plus strand), ENPP3 (ectonucleotide pyrophosphatase/phosphodiesterase 3; plus strand) and 16 more. Cytogenetic location: 6q23.2.
Variant type: Deletion.
Identifiers: ClinVar variation 3246194 (VCV003246194.1).

ClinVar aggregate classification (germline): Pathogenic (1 of 4 stars; one submission).

Submission:

Labcorp Genetics (formerly Invitae), Labcorp
Classification: Pathogenic. Last evaluated: 2023-05-22. Review status: criteria provided, single submitter. Criteria: Invitae Variant Classification Sherloc (09022015). Collection method: clinical testing. Allele origin: unknown.
Comment: For these reasons, this variant has been classified as Pathogenic. This variant has not been reported in the literature in individuals affected with ENPP1-related conditions. A gross deletion of the genomic region encompassing the full coding sequence of the ENPP1 gene has been identified. Loss-of-function variants in ENPP1 are known to be pathogenic (PMID: 12881724, 15605415, 16369898, 20016754, 20137773, 22539483). The boundaries of this event are unknown as they extend beyond the assayed region for this gene and therefore may encompass additional genes.

Literature cited by the submitters: PubMed 12881724; PubMed 15605415; PubMed 16369898; PubMed 20016754; PubMed 20137773; PubMed 22539483.